The following is an entry in ClinVar:

NM_000548.5(TSC2):c.3333G>C (p.Lys1111Asn)

Gene: TSC2 (TSC complex subunit 2; plus strand). Cytogenetic location: 16p13.3.
Variant type: single nucleotide variant.
Coding change: c.3333G>C on transcript NM_000548.5 (MANE Select); coding-DNA position 3333, G replaced by C.
Protein change: p.Lys1111Asn; replaces lysine 1111 with asparagine.
Molecular consequence: missense variant. On other transcripts: non-coding transcript variant (5).
Genome position (GRCh38, 1-based): chr16:2,079,605, G>C. VCF-style: chr16-2079605-G-C. GRCh37 (hg19) VCF-style: chr16-2129606-G-C.
Other names: c.1860G>C, p.Lys620Asn (NM_001406694.1, NM_001406690.1, NM_001406692.1 and 1 more transcripts); c.1857G>C, p.Lys619Asn (NM_001406695.1, NM_001406696.1, NM_001406697.1 and 1 more transcripts); c.1599G>C, p.Lys533Asn (NM_001406698.1); c.3204G>C, p.Lys1068Asn (NM_021055.3, NM_001363528.2, NM_001370405.1); c.3201G>C, p.Lys1067Asn (NM_001077183.3, NM_001370404.1, NM_001406665.1); c.3333G>C, p.Lys1111Asn (NM_001114382.3); c.3093G>C, p.Lys1031Asn (NM_001318827.2); c.3057G>C, p.Lys1019Asn (NM_001318829.2); and 18 more; short protein forms K1019N, K1062N, K1064N, K1068N, K1078N, K1097N, K1110N, K533N.
Identifiers: ClinVar variation 3462644 (VCV003462644.1).

ClinVar aggregate classification (germline): Uncertain significance (1 of 4 stars; one submission).

Conditions:
Hereditary cancer-predisposing syndrome. Also called: Tumor predisposition; Neoplastic Syndromes, Hereditary; Hereditary neoplastic syndrome; Hereditary Cancer Syndrome. Identifiers: Orphanet 140162, MedGen C0027672, MeSH D009386, MONDO:0015356.

Submission:

Ambry Genetics
Classification: Uncertain significance for Hereditary cancer-predisposing syndrome. Last evaluated: 2024-10-13. Review status: criteria provided, single submitter. Criteria: Ambry Variant Classification Scheme 2023. Collection method: clinical testing. Allele origin: germline.
Comment: The p.K1111N variant (also known as c.3333G>C), located in coding exon 28 of the TSC2 gene, results from a G to C substitution at nucleotide position 3333. The lysine at codon 1111 is replaced by asparagine, an amino acid with similar properties. This amino acid position is conserved. In addition, the in silico prediction for this alteration is inconclusive. Based on the available evidence, the clinical significance of this variant remains unclear.